The following is an entry in ClinVar:

ClinVar aggregate classification (germline): Uncertain significance. Review status: criteria provided, multiple submitters, no conflicts (2 of 4 stars). 5 submissions from 5 submitters: Uncertain significance (5). Last evaluated 2025-01-06.

Conditions:
Hereditary breast ovarian cancer syndrome. Also called: Hereditary breast and ovarian cancer syndrome; Hereditary breast and ovarian cancer syndrome (HBOC); BRCA1- and BRCA2-Associated Hereditary Breast and Ovarian Cancer; Breast and ovarian cancer; Hereditary breast and ovarian cancer; Hereditary breast and/or ovarian cancer syndrome. Identifiers: Orphanet 145, MedGen C0677776, MeSH D061325, MONDO:0003582. Disease mechanism: loss of function.
Hereditary cancer-predisposing syndrome. Also called: Hereditary Cancer Syndrome; Hereditary neoplastic syndrome; Tumor predisposition; Neoplastic Syndromes, Hereditary. Identifiers: Orphanet 140162, MedGen C0027672, MeSH D009386, MONDO:0015356.
Breast-ovarian cancer, familial, susceptibility to, 1 (BROVCA1). Also called: OVARIAN CANCER, SUSCEPTIBILITY TO; BRCA1 Hereditary Breast and Ovarian Cancer. Identifiers: Orphanet 145, MedGen C2676676, MONDO:0011450, OMIM 604370. Disease mechanism: loss of function.

Submissions (5):

Ambry Genetics
Classification: Uncertain significance for Hereditary cancer-predisposing syndrome. Last evaluated: 2025-01-06. Review status: criteria provided, single submitter. Criteria: Ambry Variant Classification Scheme 2023. Collection method: clinical testing. Allele origin: germline.
Comment: The p.T1622A variant (also known as c.4864A>G), located in coding exon 14 of the BRCA1 gene, results from an A to G substitution at nucleotide position 4864. The threonine at codon 1622 is replaced by alanine, an amino acid with similar properties. This amino acid position is not well conserved in available vertebrate species. In addition, the in silico prediction for this alteration is inconclusive. Since supporting evidence is limited at this time, the clinical significance of this alteration remains unclear.

Labcorp Genetics (formerly Invitae), Labcorp
Classification: Uncertain significance for Hereditary breast ovarian cancer syndrome. Last evaluated: 2025-01-06. Review status: criteria provided, single submitter. Criteria: Invitae Variant Classification Sherloc (09022015). Collection method: clinical testing. Allele origin: germline.
Comment: This sequence change replaces threonine, which is neutral and polar, with alanine, which is neutral and non-polar, at codon 1622 of the BRCA1 protein (p.Thr1622Ala). This variant is not present in population databases (gnomAD no frequency). This variant has not been reported in the literature in individuals affected with BRCA1-related conditions. ClinVar contains an entry for this variant (Variation ID: 185243). Invitae Evidence Modeling of protein sequence and biophysical properties (such as structural, functional, and spatial information, amino acid conservation, physicochemical variation, residue mobility, and thermodynamic stability) indicates that this missense variant is not expected to disrupt BRCA1 protein function with a negative predictive value of 95%. In summary, the available evidence is currently insufficient to determine the role of this variant in disease. Therefore, it has been classified as a Variant of Uncertain Significance.

Baylor Genetics
Classification: Uncertain significance for Breast-ovarian cancer, familial, susceptibility to, 1. Last evaluated: 2023-06-24. Review status: criteria provided, single submitter. Criteria: ACMG Guidelines, 2015. Collection method: clinical testing. Allele origin: unknown.

Color Diagnostics, LLC DBA Color Health
Classification: Uncertain significance for Hereditary cancer-predisposing syndrome. Last evaluated: 2021-04-13. Review status: criteria provided, single submitter. Criteria: ACMG Guidelines, 2015. Collection method: clinical testing. Allele origin: germline.
Comment: This missense variant replaces threonine with alanine at codon 1622 of the BRCA1 protein. Computational prediction is inconclusive regarding the impact of this variant on protein structure and function (internally defined REVEL score threshold 0.5 < inconclusive < 0.7, PMID: 27666373). To our knowledge, functional studies have not been reported for this variant. This variant has not been reported in individuals affected with hereditary cancer in the literature. This variant has not been identified in the general population by the Genome Aggregation Database (gnomAD). The available evidence is insufficient to determine the role of this variant in disease conclusively. Therefore, this variant is classified as a Variant of Uncertain Significance.

GeneDx
Classification: Uncertain significance. Last evaluated: 2020-11-03. Review status: criteria provided, single submitter. Criteria: GeneDx Variant Classification Process June 2021. Collection method: clinical testing. Allele origin: germline. Affected: yes.
Comment: Not observed in large population cohorts (Lek et al., 2016); In silico analysis supports that this missense variant does not alter protein structure/function; Has not been previously published as pathogenic or benign to our knowledge; Also known as 4983A>G

NM_007294.4(BRCA1):c.4864A>G (p.Thr1622Ala)

Gene: BRCA1 (BRCA1 DNA repair associated; minus strand). Cytogenetic location: 17q21.31.
Variant type: single nucleotide variant.
Coding change: c.4864A>G on transcript NM_007294.4 (MANE Select); coding-DNA position 4864, A replaced by G.
Protein change: p.Thr1622Ala; replaces threonine 1622 with alanine.
Molecular consequence: missense variant. On other transcripts: non-coding transcript variant (1).
Genome position (GRCh38, 1-based): chr17:43,071,050, T>C on the plus strand (A>G on the coding strand, the complement: BRCA1 is on the minus strand). VCF-style: chr17-43071050-T-C. GRCh37 (hg19) VCF-style: chr17-41223067-T-C.
Other names: c.4780A>G, p.Thr1594Ala (NM_001407660.1, NM_001407659.1, NM_001407661.1 and 2 more transcripts); c.4738A>G, p.Thr1580Ala (NM_001407671.1, NM_001407672.1, NM_001407673.1 and 11 more transcripts); c.4732A>G, p.Thr1578Ala (NM_001407690.1, NM_001407691.1); c.4723A>G, p.Thr1575Ala (NM_001407692.1, NM_001407694.1, NM_001407695.1 and 13 more transcripts); c.4720A>G, p.Thr1574Ala (NM_001407735.1, NM_001407736.1, NM_001407737.1 and 21 more transcripts); c.4717A>G, p.Thr1573Ala (NM_001407839.1, NM_001407841.1, NM_001407842.1 and 12 more transcripts); c.4663A>G, p.Thr1555Ala (NM_001407862.1); c.4657A>G, p.Thr1553Ala (NM_001407874.1, NM_001407875.1); and 70 more; short protein forms T1622A, T1643A, T1575A, T518A, T1325A, T1453A, T1468A, T1494A.
Identifiers: ClinVar variation 185243 (VCV000185243.17), dbSNP rs786202026, ClinGen allele CA003056.